The following is an entry in ClinVar:

NM_003126.4(SPTA1):c.54G>A (p.Leu18=)

Gene: SPTA1 (spectrin alpha, erythrocytic 1; minus strand). Cytogenetic location: 1q23.1.
Variant type: single nucleotide variant.
Coding change: c.54G>A on transcript NM_003126.4 (MANE Select); coding-DNA position 54, G replaced by A.
Protein change: p.Leu18=; no amino-acid change (leucine 18 retained).
Molecular consequence: synonymous variant.
Genome position (GRCh38, 1-based): chr1:158,685,318, C>T on the plus strand (G>A on the coding strand, the complement: SPTA1 is on the minus strand). VCF-style: chr1-158685318-C-T. GRCh37 (hg19) VCF-style: chr1-158655108-C-T.
Identifiers: ClinVar variation 293060 (VCV000293060.53), dbSNP rs199690643, ClinGen allele CA1184261.
Genomic context (GRCh38, chr1:158,685,318, plus strand): 5'-GAAACTTTGATACCGAGTCAACACTTCCTGACGCCTCTCCTGGATCTCTTCTGCTGTTTC[C>T]AAAACCTTTGGCCCACTGCTCTCCACAACCTGCAAGTTAAAAAGATTCTGTTACTTGCTA-3'
Protein context (NP_003117.2, residues 8-28): TVVESSGPKV[Leu18=]ETAEEIQERR

ClinVar aggregate classification (germline): Conflicting classifications of pathogenicity. Review status: criteria provided, conflicting classifications (1 of 4 stars). 7 submissions from 5 submitters: Uncertain significance (3); Likely benign (3). 1 of the submissions does not count toward it. Last evaluated 2024-09-12.

Conditions:
SPTA1-related disorder. Also called: SPTA1-related disorders; SPTA1-related condition.
Hereditary spherocytosis type 3. Also called: SPTA1-Related Spherocytosis; Spherocytosis type 3. Identifiers: Orphanet 822, MedGen C2678338, MONDO:0010053, OMIM 270970.
Pyropoikilocytosis, hereditary. Also called: Pyropoikilocytosis. Identifiers: MedGen C0520739, MONDO:0009948, OMIM 266140, HP:0004839. Disease mechanism: loss of function.
Elliptocytosis 2 (EL2). Also called: ELLIPTOCYTOSIS, RHESUS-UNLINKED TYPE. Identifiers: Orphanet 288, MedGen C1851741, MONDO:0007533, OMIM 130600.

Allele frequency attached by ClinVar (database versions not stated): gnomAD exomes 0.00004; gnomAD 0.00005 and 0.00006; TOPMed 0.00005; ExAC 0.00006; ESP Exome Variant Server 0.00017.
gnomAD v4.1: 76 of 1,613,518 alleles (0.0047%); highest among the groups gnomAD compares: Non-Finnish European, 0.0059%; no homozygotes.

Submissions (7):

Labcorp Genetics (formerly Invitae), Labcorp
Classification: Likely benign. Last evaluated: 2024-09-12. Review status: criteria provided, single submitter. Criteria: Invitae Variant Classification Sherloc (09022015). Collection method: clinical testing. Allele origin: germline.

CeGaT Center for Human Genetics Tuebingen
Classification: Likely benign. Last evaluated: 2024-07-01. Review status: criteria provided, single submitter. Criteria: CeGaT Center For Human Genetics Tuebingen Variant Classification Criteria Version 2. Collection method: clinical testing. Allele origin: germline. Affected: yes. Observed: 2 variant alleles.
Comment: SPTA1: BP4

ARUP Laboratories, Molecular Genetics and Genomics, ARUP Laboratories
Classification: Likely benign. Last evaluated: 2021-07-02. Review status: criteria provided, single submitter. Criteria: ARUP Molecular Germline Variant Investigation Process 2021. Collection method: clinical testing. Allele origin: germline.

Illumina Laboratory Services, Illumina
Classification: Uncertain significance for Hereditary spherocytosis type 3. Last evaluated: 2018-01-13. Review status: criteria provided, single submitter. Criteria: ICSL Variant Classification Criteria 13 December 2019. Collection method: clinical testing. Allele origin: germline.

Illumina Laboratory Services, Illumina
Classification: Uncertain significance for Elliptocytosis 2. Last evaluated: 2018-01-13. Review status: criteria provided, single submitter. Criteria: ICSL Variant Classification Criteria 13 December 2019. Collection method: clinical testing. Allele origin: germline.

Illumina Laboratory Services, Illumina
Classification: Uncertain significance for Pyropoikilocytosis, hereditary. Last evaluated: 2018-01-13. Review status: criteria provided, single submitter. Criteria: ICSL Variant Classification Criteria 13 December 2019. Collection method: clinical testing. Allele origin: germline.

PreventionGenetics, part of Exact Sciences
Classification: Likely benign for SPTA1-related condition. Last evaluated: 2019-09-17. Review status: no assertion criteria provided. Collection method: clinical testing. Allele origin: germline. Not counted in ClinVar's aggregate classification.
Comment: This variant is classified as likely benign based on ACMG/AMP sequence variant interpretation guidelines (Richards et al. 2015 PMID: 25741868, with internal and published modifications).